The following is an entry in ClinVar:

ClinVar aggregate classification (germline): Uncertain significance. Review status: criteria provided, multiple submitters, no conflicts (2 of 4 stars). 2 submissions from 2 submitters: Uncertain significance (2). Last evaluated 2024-07-09.

Conditions:
Hypercoagulability syndrome due to glycosylphosphatidylinositol deficiency (GPIBD1). Also called: GLYCOSYLPHOSPHATIDYLINOSITOL BIOSYNTHESIS DEFECT 1. Identifiers: Orphanet 83639, MedGen C5201145, MONDO:0012465, OMIM 610293.

Allele frequency attached by ClinVar (database versions not stated): gnomAD exomes 0.00001; gnomAD 0.00002; ExAC 0.00003; TOPMed 0.00003.
gnomAD v4.1: 20 of 1,614,022 alleles (0.0012%); highest among the groups gnomAD compares: Admixed American, 0.017%; no homozygotes.

Submissions (2):

Ambry Genetics
Classification: Uncertain significance. Last evaluated: 2024-07-09. Review status: criteria provided, single submitter. Criteria: Ambry Variant Classification Scheme 2023. Collection method: clinical testing. Allele origin: germline.

Labcorp Genetics (formerly Invitae), Labcorp
Classification: Uncertain significance for Hypercoagulability syndrome due to glycosylphosphatidylinositol deficiency. Last evaluated: 2023-07-17. Review status: criteria provided, single submitter. Criteria: Invitae Variant Classification Sherloc (09022015). Collection method: clinical testing. Allele origin: germline.
Comment: This sequence change replaces histidine, which is basic and polar, with tyrosine, which is neutral and polar, at codon 44 of the PIGM protein (p.His44Tyr). This variant is present in population databases (rs760723414, gnomAD 0.02%). This variant has not been reported in the literature in individuals affected with PIGM-related conditions. ClinVar contains an entry for this variant (Variation ID: 2081907). Advanced modeling of protein sequence and biophysical properties (such as structural, functional, and spatial information, amino acid conservation, physicochemical variation, residue mobility, and thermodynamic stability) performed at Invitae indicates that this missense variant is not expected to disrupt PIGM protein function. In summary, the available evidence is currently insufficient to determine the role of this variant in disease. Therefore, it has been classified as a Variant of Uncertain Significance.

NM_145167.3(PIGM):c.130C>T (p.His44Tyr)

Gene: PIGM (phosphatidylinositol glycan anchor biosynthesis class M; minus strand). Cytogenetic location: 1q23.2.
Variant type: single nucleotide variant.
Coding change: c.130C>T on transcript NM_145167.3 (MANE Select); coding-DNA position 130, C replaced by T.
Protein change: p.His44Tyr; replaces histidine 44 with tyrosine.
Molecular consequence: missense variant.
Genome position (GRCh38, 1-based): chr1:160,031,610, G>A on the plus strand (C>T on the coding strand, the complement: PIGM is on the minus strand). VCF-style: chr1-160031610-G-A. GRCh37 (hg19) VCF-style: chr1-160001400-G-A.
Other names: short protein forms H44Y.
Identifiers: ClinVar variation 2081907 (VCV002081907.5), dbSNP rs760723414, ClinGen allele CA1193113.